The following is an entry in ClinVar:

NM_001375524.1(TRRAP):c.7237C>T (p.Arg2413Cys)

Gene: TRRAP (transformation/transcription domain associated protein; plus strand). Cytogenetic location: 7q22.1.
Variant type: single nucleotide variant.
Coding change: c.7237C>T on transcript NM_001375524.1 (MANE Select); coding-DNA position 7237, C replaced by T.
Protein change: p.Arg2413Cys; replaces arginine 2413 with cysteine.
Molecular consequence: missense variant.
Genome position (GRCh38, 1-based): chr7:98,967,101, C>T. VCF-style: chr7-98967101-C-T. GRCh37 (hg19) VCF-style: chr7-98564724-C-T.
Other names: c.7216C>T, p.Arg2406Cys (NM_001244580.2); c.7162C>T, p.Arg2388Cys (NM_003496.4); short protein forms R2388C, R2406C, R2413C.
Identifiers: ClinVar variation 3369791 (VCV003369791.1).

ClinVar aggregate classification (germline): Uncertain significance (1 of 4 stars; one submission).

gnomAD v4.1: 1 of 1,614,006 alleles (0.000062%); highest among the groups gnomAD compares: South Asian, 0.0011%; no homozygotes.

Submission:

GeneDx
Classification: Uncertain significance. Last evaluated: 2024-02-28. Review status: criteria provided, single submitter. Criteria: GeneDx Variant Classification Process June 2021. Collection method: clinical testing. Allele origin: germline. Affected: yes.
Comment: Not observed at significant frequency in large population cohorts (gnomAD); In silico analysis supports that this missense variant has a deleterious effect on protein structure/function; Has not been previously published as pathogenic or benign to our knowledge